The following is an entry in ClinVar:

ClinVar aggregate classification (germline): Uncertain significance (1 of 4 stars; one submission).

Submission:

Labcorp Genetics (formerly Invitae), Labcorp
Classification: Uncertain significance. Last evaluated: 2025-08-11. Review status: criteria provided, single submitter. Criteria: Invitae Variant Classification Sherloc (09022015). Collection method: clinical testing. Allele origin: germline.
Comment: This sequence change replaces serine, which is neutral and polar, with proline, which is neutral and non-polar, at codon 194 of the ALPK1 protein (p.Ser194Pro). This variant is not present in population databases (gnomAD no frequency). This variant has not been reported in the literature in individuals affected with ALPK1-related conditions. Invitae Evidence Modeling of protein sequence and biophysical properties (such as structural, functional, and spatial information, amino acid conservation, physicochemical variation, residue mobility, and thermodynamic stability) indicates that this missense variant is expected to disrupt ALPK1 protein function with a positive predictive value of 80%. In summary, the available evidence is currently insufficient to determine the role of this variant in disease. Therefore, it has been classified as a Variant of Uncertain Significance.

NM_025144.4(ALPK1):c.580T>C (p.Ser194Pro)

Gene: ALPK1 (alpha kinase 1; plus strand). Cytogenetic location: 4q25.
Variant type: single nucleotide variant.
Coding change: c.580T>C on transcript NM_025144.4 (MANE Select); coding-DNA position 580, T replaced by C.
Protein change: p.Ser194Pro; replaces serine 194 with proline.
Molecular consequence: missense variant.
Genome position (GRCh38, 1-based): chr4:112,425,709, T>C. VCF-style: chr4-112425709-T-C. GRCh37 (hg19) VCF-style: chr4-113346865-T-C.
Other names: c.580T>C, p.Ser194Pro (NM_001102406.2); c.346T>C, p.Ser116Pro (NM_001253884.2); short protein forms S116P, S194P.
Identifiers: ClinVar variation 4744564 (VCV004744564.1).